The following is an entry in ClinVar:

NM_001394998.1(TANC2):c.5226G>C (p.Leu1742Phe)

Gene: TANC2 (tetratricopeptide repeat, ankyrin repeat and coiled-coil containing 2; plus strand). Cytogenetic location: 17q23.3.
Variant type: single nucleotide variant.
Coding change: c.5226G>C on transcript NM_001394998.1 (MANE Select); coding-DNA position 5226, G replaced by C.
Protein change: p.Leu1742Phe; replaces leucine 1742 with phenylalanine.
Molecular consequence: missense variant.
Genome position (GRCh38, 1-based): chr17:63,420,956, G>C. VCF-style: chr17-63420956-G-C. GRCh37 (hg19) VCF-style: chr17-61498317-G-C.
Other names: c.5004G>C, p.Leu1668Phe (NM_001411076.1); c.4974G>C, p.Leu1658Phe (NM_025185.4); short protein forms L1658F, L1668F, L1742F.
Identifiers: ClinVar variation 3383645 (VCV003383645.2).

ClinVar aggregate classification (germline): Uncertain significance (1 of 4 stars; one submission).

gnomAD v4.1: 2 of 1,613,998 alleles (0.00012%); highest among the groups gnomAD compares: Non-Finnish European, 0.00017%; no homozygotes.

Submission:

GeneDx
Classification: Uncertain significance. Last evaluated: 2026-09-21. Review status: criteria provided, single submitter. Criteria: GeneDx Variant Classification Process June 2021. Collection method: clinical testing. Allele origin: germline.
Comment: Not observed at significant frequency in large population cohorts (gnomAD); In silico analysis suggests that this missense variant does not alter protein structure/function; Has not been previously published as pathogenic or benign to our knowledge